The following is an entry in ClinVar:

ClinVar aggregate classification (germline): Likely benign. Review status: criteria provided, multiple submitters, no conflicts (2 of 4 stars). 4 submissions from 4 submitters: Likely benign (4). Last evaluated 2026-02-17.

Conditions:
Tuberous sclerosis 2 (TSC2). Identifiers: Orphanet 805, MedGen C1860707, MONDO:0013199, OMIM 613254.

Allele frequency attached by ClinVar (database versions not stated): gnomAD exomes 0.00001; gnomAD 0.00003; TOPMed 0.00005.
gnomAD v4.1: 16 of 1,607,282 alleles (0.001%); highest among the groups gnomAD compares: East Asian, 0.0045%; no homozygotes.

Submissions (4):

Women's Health and Genetics/Laboratory Corporation of America, LabCorp
Classification: Likely benign. Last evaluated: 2026-02-17. Review status: criteria provided, single submitter. Criteria: LabCorp Variant Classification Summary - May 2015. Collection method: clinical testing. Allele origin: germline.
Comment: Variant summary: TSC2 c.3285-18G>A alters a nucleotide located at a position not widely known to affect splicing. Consensus agreement among computation tools predict no significant impact on normal splicing. However, these predictions have yet to be confirmed by functional studies. The variant allele was found at a frequency of 1.3e-05 in 235346 control chromosomes. The available data on variant occurrences in the general population are insufficient to allow any conclusion about variant significance. To our knowledge, no occurrence of c.3285-18G>A in individuals affected with TSC2-related conditions and no experimental evidence demonstrating its impact on protein function have been reported. ClinVar contains an entry for this variant (Variation ID: 1638388). Based on the evidence outlined above, the variant was classified as likely benign.

Labcorp Genetics (formerly Invitae), Labcorp
Classification: Likely benign for Tuberous sclerosis 2. Last evaluated: 2026-02-03. Review status: criteria provided, single submitter. Criteria: Invitae Variant Classification Sherloc (09022015). Collection method: clinical testing. Allele origin: germline.

Myriad Genetics, Inc.
Classification: Likely benign for Tuberous sclerosis 2. Last evaluated: 2025-05-28. Review status: criteria provided, single submitter. Criteria: Myriad Autosomal Dominant, Autosomal Recessive and X-Linked Classification Criteria (2023). Collection method: clinical testing. Allele origin: unknown.
Comment: This variant is considered likely benign. This variant is intronic and is not expected to impact mRNA splicing.

Blueprint Genetics
Classification: Likely benign. Last evaluated: 2024-07-31. Review status: criteria provided, single submitter. Criteria: ACMG Guidelines, 2015. Collection method: clinical testing. Allele origin: germline.

NM_000548.5(TSC2):c.3285-18G>A

Gene: TSC2 (TSC complex subunit 2; plus strand). Cytogenetic location: 16p13.3.
Variant type: single nucleotide variant.
Coding change: c.3285-18G>A on transcript NM_000548.5 (MANE Select); 18 bases into the intron before coding-DNA position 3285, G replaced by A.
Molecular consequence: intron variant.
Genome position (GRCh38, 1-based): chr16:2,079,539, G>A. VCF-style: chr16-2079539-G-A. GRCh37 (hg19) VCF-style: chr16-2129540-G-A.
Other names: c.3285-18G>A (NM_001114382.3); c.3156-18G>A (NM_021055.3, NM_001370405.1, NM_001363528.2); c.3153-18G>A (NM_001370404.1, NM_001077183.3); c.3045-18G>A (NM_001318827.2); c.2553-18G>A (NM_001318831.2); c.3009-18G>A (NM_001318829.2); c.3186-18G>A (NM_001318832.2).
Identifiers: ClinVar variation 1638388 (VCV001638388.11), dbSNP rs752756174, ClinGen allele CA045346.